The following is an entry in ClinVar:

ClinVar aggregate classification (germline): Uncertain significance (1 of 4 stars; one submission).

Conditions:
Immunodeficiency 36 with lymphoproliferation. Also called: ACTIVATED PI3K-DELTA SYNDROME 2; Immunodeficiency 36; Activated PI3K Delta Syndrome Type 2 (APDS2). Identifiers: Orphanet 397596, Orphanet 693681, MedGen C4014934, MONDO:0014453, OMIM 616005.
SHORT syndrome. Also called: LIPODYSTROPHY, PARTIAL, WITH RIEGER ANOMALY AND SHORT STATURE; PIK3R1-Related SHORT Syndrome; SHORT STATURE, HYPEREXTENSIBILITY, HERNIA, OCULAR DEPRESSION, RIEGER ANOMALY, AND TEETHING DELAY. Identifiers: Orphanet 3163, MedGen C0878684, MONDO:0010026, OMIM 269880.
Agammaglobulinemia 7, autosomal recessive (AGM7). Also called: AGAMMAGLOBULINEMIA, AUTOSOMAL RECESSIVE, DUE TO PIK3R1 DEFECT. Identifiers: MedGen C3554689, MONDO:0014083, OMIM 615214.

Submission:

Labcorp Genetics (formerly Invitae), Labcorp
Classification: Uncertain significance for SHORT syndrome; Immunodeficiency 36 with lymphoproliferation; Agammaglobulinemia 7, autosomal recessive. Last evaluated: 2022-09-07. Review status: criteria provided, single submitter. Criteria: Invitae Variant Classification Sherloc (09022015). Collection method: clinical testing. Allele origin: germline.
Comment: This variant has not been reported in the literature in individuals affected with PIK3R1-related conditions. In summary, the available evidence is currently insufficient to determine the role of this variant in disease. Therefore, it has been classified as a Variant of Uncertain Significance. Algorithms developed to predict the effect of missense changes on protein structure and function are either unavailable or do not agree on the potential impact of this missense change (SIFT: "Deleterious"; PolyPhen-2: "Possibly Damaging"; Align-GVGD: "Class C0"). ClinVar contains an entry for this variant (Variation ID: 1429503). This variant is not present in population databases (gnomAD no frequency). This sequence change replaces proline, which is neutral and non-polar, with threonine, which is neutral and polar, at codon 194 of the PIK3R1 protein (p.Pro194Thr).

NM_181523.3(PIK3R1):c.580C>A (p.Pro194Thr)

Gene: PIK3R1 (phosphoinositide-3-kinase regulatory subunit 1; plus strand). Cytogenetic location: 5q13.1.
Variant type: single nucleotide variant.
Coding change: c.580C>A on transcript NM_181523.3 (MANE Select); coding-DNA position 580, C replaced by A.
Protein change: p.Pro194Thr; replaces proline 194 with threonine.
Molecular consequence: missense variant.
Genome position (GRCh38, 1-based): chr5:68,279,679, C>A. VCF-style: chr5-68279679-C-A. GRCh37 (hg19) VCF-style: chr5-67575507-C-A.
Other names: short protein forms P194T.
Identifiers: ClinVar variation 1429503 (VCV001429503.12), dbSNP rs781181630, ClinGen allele CA359873953.